The following is an entry in ClinVar:

NM_000399.5(EGR2):c.1015C>T (p.Pro339Ser)

Gene: EGR2 (early growth response 2; minus strand). Cytogenetic location: 10q21.3.
Variant type: single nucleotide variant.
Coding change: c.1015C>T on transcript NM_000399.5 (MANE Select); coding-DNA position 1015, C replaced by T.
Protein change: p.Pro339Ser; replaces proline 339 with serine.
Molecular consequence: missense variant.
Genome position (GRCh38, 1-based): chr10:62,813,623, G>A on the plus strand (C>T on the coding strand, the complement: EGR2 is on the minus strand). VCF-style: chr10-62813623-G-A. GRCh37 (hg19) VCF-style: chr10-64573383-G-A.
Other names: c.1015C>T, p.Pro339Ser (NM_001136177.3, NM_001136178.2); c.865C>T, p.Pro289Ser (NM_001136179.3, NM_001321037.2); c.1054C>T, p.Pro352Ser (NM_001410931.1); short protein forms P289S, P352S, P339S.
Identifiers: ClinVar variation 3710361 (VCV003710361.2).

ClinVar aggregate classification (germline): Uncertain significance (1 of 4 stars; one submission).

Conditions:
Charcot-Marie-Tooth disease, type I (CMT1). Also called: Charcot-Marie-Tooth disease type 1; Charcot-Marie-Tooth, Type 1. Identifiers: Orphanet 65753, MedGen C0751036, MONDO:0019011.

gnomAD v4.1: 1 of 1,612,992 alleles (0.000062%); no homozygotes.

Submission:

Labcorp Genetics (formerly Invitae), Labcorp
Classification: Uncertain significance for Charcot-Marie-Tooth disease, type I. Last evaluated: 2024-11-14. Review status: criteria provided, single submitter. Criteria: Invitae Variant Classification Sherloc (09022015). Collection method: clinical testing. Allele origin: germline.
Comment: This sequence change replaces proline, which is neutral and non-polar, with serine, which is neutral and polar, at codon 339 of the EGR2 protein (p.Pro339Ser). This variant is not present in population databases (gnomAD no frequency). This variant has not been reported in the literature in individuals affected with EGR2-related conditions. Invitae Evidence Modeling of protein sequence and biophysical properties (such as structural, functional, and spatial information, amino acid conservation, physicochemical variation, residue mobility, and thermodynamic stability) indicates that this missense variant is expected to disrupt EGR2 protein function with a positive predictive value of 80%. In summary, the available evidence is currently insufficient to determine the role of this variant in disease. Therefore, it has been classified as a Variant of Uncertain Significance.